The following is an entry in ClinVar:

NM_058246.4(DNAJB6):c.65+2T>C

Gene: DNAJB6 (DnaJ heat shock protein family (Hsp40) member B6; plus strand). Cytogenetic location: 7q36.3.
Variant type: single nucleotide variant.
Coding change: c.65+2T>C on transcript NM_058246.4 (MANE Select); the canonical splice donor site of the intron after coding-DNA position 65, T replaced by C.
Molecular consequence: splice donor variant.
Genome position (GRCh38, 1-based): chr7:157,358,639, T>C. VCF-style: chr7-157358639-T-C. GRCh37 (hg19) VCF-style: chr7-157151333-T-C.
Other names: c.65+2T>C (NM_001363676.1, NM_005494.3).
Identifiers: ClinVar variation 538666 (VCV000538666.4), dbSNP rs1554455505, ClinGen allele CA370165608.

ClinVar aggregate classification (germline): Uncertain significance (1 of 4 stars; one submission).

Conditions:
Autosomal dominant limb-girdle muscular dystrophy type 1D (DNAJB6) (LGMDD1). Also called: MUSCULAR DYSTROPHY, LIMB-GIRDLE, TYPE 1D; Autosomal dominant limb-girdle muscular dystrophy type 1D; Muscular dystrophy, limb-girdle, autosomal dominant 1; MUSCULAR DYSTROPHY, AUTOSOMAL DOMINANT, WITH RIMMED VACUOLES. Identifiers: Orphanet 34516, MedGen C4721885, MONDO:0021018, OMIM 603511.

Submission:

Labcorp Genetics (formerly Invitae), Labcorp
Classification: Uncertain significance for Autosomal dominant limb-girdle muscular dystrophy type 1D (DNAJB6). Last evaluated: 2019-05-04. Review status: criteria provided, single submitter. Criteria: Invitae Variant Classification Sherloc (09022015). Collection method: clinical testing. Allele origin: germline.
Comment: This sequence change affects a donor splice site in intron 2 of the DNAJB6 gene. It is expected to disrupt RNA splicing and likely results in an absent or disrupted protein product. This variant is not present in population databases (ExAC no frequency). This variant has not been reported in the literature in individuals with DNAJB6-related disease. Algorithms developed to predict the effect of sequence changes on RNA splicing suggest that this variant may disrupt the consensus splice site, but this prediction has not been confirmed by published transcriptional studies. The current clinical and genetic evidence is not sufficient to establish whether loss-of-function variants in DNAJB6 cause disease. In summary, the available evidence is currently insufficient to determine the role of this variant in disease. Therefore, it has been classified as a Variant of Uncertain Significance.